The following is an entry in ClinVar:

NM_030753.5(WNT3):c.355G>A (p.Ala119Thr)

Genes: LRRC37A2 (leucine rich repeat containing 37 member A2), WNT3 (Wnt family member 3; minus strand). Cytogenetic location: 17q21.31.
Variant type: single nucleotide variant.
Coding change: c.355G>A on transcript NM_030753.5 (MANE Select); coding-DNA position 355, G replaced by A.
Protein change: p.Ala119Thr; replaces alanine 119 with threonine.
Molecular consequence: missense variant.
Genome position (GRCh38, 1-based): chr17:46,770,016, C>T on the plus strand (G>A on the coding strand, the complement: WNT3 is on the minus strand). VCF-style: chr17-46770016-C-T. GRCh37 (hg19) VCF-style: chr17-44847382-C-T.
Other names: short protein forms A119T.
Identifiers: ClinVar variation 2839615 (VCV002839615.3), dbSNP rs2545984091, ClinGen allele CA400011059.

ClinVar aggregate classification (germline): Uncertain significance (1 of 4 stars; one submission).

Allele frequency attached by ClinVar (database versions not stated): gnomAD exomes below 0.00001.
gnomAD v4.1: 1 of 1,582,786 alleles (0.000063%); no homozygotes.

Submission:

Labcorp Genetics (formerly Invitae), Labcorp
Classification: Uncertain significance. Last evaluated: 2023-02-21. Review status: criteria provided, single submitter. Criteria: Invitae Variant Classification Sherloc (09022015). Collection method: clinical testing. Allele origin: germline.
Comment: In summary, the available evidence is currently insufficient to determine the role of this variant in disease. Therefore, it has been classified as a Variant of Uncertain Significance. Advanced modeling of protein sequence and biophysical properties (such as structural, functional, and spatial information, amino acid conservation, physicochemical variation, residue mobility, and thermodynamic stability) performed at Invitae indicates that this missense variant is not expected to disrupt WNT3 protein function. This variant has not been reported in the literature in individuals affected with WNT3-related conditions. This variant is not present in population databases (gnomAD no frequency). This sequence change replaces alanine, which is neutral and non-polar, with threonine, which is neutral and polar, at codon 119 of the WNT3 protein (p.Ala119Thr).